The following is an entry in ClinVar:

ClinVar aggregate classification (germline): Uncertain significance (1 of 4 stars; one submission).

Allele frequency attached by ClinVar (database versions not stated): ExAC 0.00001; gnomAD exomes 0.00001; TOPMed 0.00002.
gnomAD v4.1: 14 of 1,610,738 alleles (0.00087%); highest among the groups gnomAD compares: Admixed American, 0.022%; no homozygotes.

Submission:

GeneDx
Classification: Uncertain significance. Last evaluated: 2022-06-17. Review status: criteria provided, single submitter. Criteria: GeneDx Variant Classification Process June 2021. Collection method: clinical testing. Allele origin: germline. Affected: yes.
Comment: In silico analysis supports that this missense variant does not alter protein structure/function; Has not been previously published as pathogenic or benign to our knowledge

NM_014495.4(ANGPTL3):c.653C>G (p.Ser218Cys)

Genes: ANGPTL3 (angiopoietin like 3; plus strand), DOCK7 (dedicator of cytokinesis 7; minus strand). Cytogenetic location: 1p31.3.
Variant type: single nucleotide variant.
Coding change: c.653C>G on transcript NM_014495.4 (MANE Select); coding-DNA position 653, C replaced by G.
Protein change: p.Ser218Cys; replaces serine 218 with cysteine.
Molecular consequence: missense variant. On other transcripts: intron variant (7).
Genome position (GRCh38, 1-based): chr1:62,601,128, C>G. VCF-style: chr1-62601128-C-G. GRCh37 (hg19) VCF-style: chr1-63066799-C-G.
Other names: c.1683-14504G>C (NM_001272001.2, NM_001272000.2, NM_033407.4 and 4 more transcripts); short protein forms S218C.
Identifiers: ClinVar variation 1804410 (VCV001804410.1), dbSNP rs776912361, ClinGen allele CA886654.